The following is an entry in ClinVar:

NM_001098.3(ACO2):c.1078C>T (p.Pro360Ser)

Gene: ACO2 (aconitase 2; plus strand). Cytogenetic location: 22q13.2.
Variant type: single nucleotide variant.
Coding change: c.1078C>T on transcript NM_001098.3 (MANE Select); coding-DNA position 1078, C replaced by T.
Protein change: p.Pro360Ser; replaces proline 360 with serine.
Molecular consequence: missense variant.
Genome position (GRCh38, 1-based): chr22:41,520,216, C>T. VCF-style: chr22-41520216-C-T. GRCh37 (hg19) VCF-style: chr22-41916220-C-T.
Other names: short protein forms P360S.
Identifiers: ClinVar variation 1385269 (VCV001385269.6), dbSNP rs2146130935, ClinGen allele CA411723942.

ClinVar aggregate classification (germline): Uncertain significance (1 of 4 stars; one submission).

Allele frequency attached by ClinVar (database versions not stated): gnomAD exomes below 0.00001.
gnomAD v4.1: 4 of 1,613,940 alleles (0.00025%); highest among the groups gnomAD compares: East Asian, 0.0022%; no homozygotes.

Submission:

Labcorp Genetics (formerly Invitae), Labcorp
Classification: Uncertain significance. Last evaluated: 2021-10-19. Review status: criteria provided, single submitter. Criteria: Invitae Variant Classification Sherloc (09022015). Collection method: clinical testing. Allele origin: germline.
Comment: Advanced modeling of protein sequence and biophysical properties (such as structural, functional, and spatial information, amino acid conservation, physicochemical variation, residue mobility, and thermodynamic stability) performed at Invitae indicates that this missense variant is expected to disrupt ACO2 protein function. This sequence change replaces proline with serine at codon 360 of the ACO2 protein (p.Pro360Ser). The proline residue is highly conserved and there is a moderate physicochemical difference between proline and serine. This variant is not present in population databases (ExAC no frequency). This variant has not been reported in the literature in individuals affected with ACO2-related conditions. In summary, the available evidence is currently insufficient to determine the role of this variant in disease. Therefore, it has been classified as a Variant of Uncertain Significance.